The following is an entry in ClinVar:

NM_000488.4(SERPINC1):c.1331T>A (p.Ile444Lys)

Gene: SERPINC1 (serpin family C member 1; minus strand). Cytogenetic location: 1q25.1.
Variant type: single nucleotide variant.
Coding change: c.1331T>A on transcript NM_000488.4 (MANE Select); coding-DNA position 1331, T replaced by A.
Protein change: p.Ile444Lys; replaces isoleucine 444 with lysine.
Molecular consequence: missense variant.
Genome position (GRCh38, 1-based): chr1:173,903,953, A>T on the plus strand (T>A on the coding strand, the complement: SERPINC1 is on the minus strand). VCF-style: chr1-173903953-A-T. GRCh37 (hg19) VCF-style: chr1-173873091-A-T.
Other names: c.1187T>A, p.Ile396Lys (NM_001365052.2); c.1454T>A, p.Ile485Lys (NM_001386302.1); c.1412T>A, p.Ile471Lys (NM_001386303.1); c.1310T>A, p.Ile437Lys (NM_001386304.1); c.1274T>A, p.Ile425Lys (NM_001386305.1); c.1115T>A, p.Ile372Lys (NM_001386306.1); short protein forms I372K, I425K, I444K, I471K, I485K, I396K, I437K.
Identifiers: ClinVar variation 1460607 (VCV001460607.8), dbSNP rs2102773041, ClinGen allele CA343772279.
Genomic context (GRCh38, chr1:173,903,953, plus strand): 5'-TTAACACAAGGGTTGGCTACTCTGCCCATGAAGATAATAGTGTTCAGAGGAACTTCTCTT[A>T]TAAAAACCAGGAAAGGCCTGTTGGCCTTGAAAGTCACCCTGTTGGGGTTTAGCGAACGGC-3'
Protein context (NP_000479.1, residues 434-454): FKANRPFLVF[Ile444Lys]REVPLNTIIF

ClinVar aggregate classification (germline): Uncertain significance (1 of 4 stars; one submission).

Conditions:
Hereditary antithrombin deficiency (AT3D). Also called: Antithrombin III deficiency; Thrombophilia due to antithrombin III deficiency; Antithrombin deficiency; Reduced antithrombin III activity. Identifiers: Orphanet 82, MedGen C0272375, MONDO:0013144, OMIM 613118, HP:0001976.

Submission:

Labcorp Genetics (formerly Invitae), Labcorp
Classification: Uncertain significance for Hereditary antithrombin deficiency. Last evaluated: 2020-11-13. Review status: criteria provided, single submitter. Criteria: Invitae Variant Classification Sherloc (09022015). Collection method: clinical testing. Allele origin: germline.
Comment: This sequence change replaces isoleucine with lysine at codon 444 of the SERPINC1 protein (p.Ile444Lys). The isoleucine residue is highly conserved and there is a moderate physicochemical difference between isoleucine and lysine. This variant is not present in population databases (ExAC no frequency). This variant has not been reported in the literature in individuals with SERPINC1-related conditions. Advanced modeling of protein sequence and biophysical properties (such as structural, functional, and spatial information, amino acid conservation, physicochemical variation, residue mobility, and thermodynamic stability) performed at Invitae indicates that this missense variant is expected to disrupt SERPINC1 protein function. In summary, the available evidence is currently insufficient to determine the role of this variant in disease. Therefore, it has been classified as a Variant of Uncertain Significance.